The following is an entry in ClinVar:

NM_000545.8(HNF1A):c.206G>A (p.Gly69Asp)

Gene: HNF1A (HNF1 homeobox A; plus strand). Cytogenetic location: 12q24.31.
Variant type: single nucleotide variant.
Coding change: c.206G>A on transcript NM_000545.8 (MANE Select); coding-DNA position 206, G replaced by A.
Protein change: p.Gly69Asp; replaces glycine 69 with aspartic acid.
Molecular consequence: missense variant.
Genome position (GRCh38, 1-based): chr12:120,978,974, G>A. VCF-style: chr12-120978974-G-A. GRCh37 (hg19) VCF-style: chr12-121416777-G-A.
Other names: c.206G>A, p.Gly69Asp (NM_001306179.2); short protein forms G69D.
Identifiers: ClinVar variation 1407328 (VCV001407328.9), dbSNP rs758774357, ClinGen allele CA6831686.

ClinVar aggregate classification (germline): Uncertain significance (1 of 4 stars; one submission).

Allele frequency attached by ClinVar (database versions not stated): gnomAD exomes below 0.00001; ExAC 0.00001.

Submission:

Labcorp Genetics (formerly Invitae), Labcorp
Classification: Uncertain significance. Last evaluated: 2025-12-17. Review status: criteria provided, single submitter. Criteria: Invitae Variant Classification Sherloc (09022015). Collection method: clinical testing. Allele origin: germline.
Comment: This sequence change replaces glycine, which is neutral and non-polar, with aspartic acid, which is acidic and polar, at codon 69 of the HNF1A protein (p.Gly69Asp). The frequency data for this variant in the population databases is considered unreliable, as metrics indicate poor data quality at this position in the gnomAD database. This variant has not been reported in the literature in individuals affected with HNF1A-related conditions. ClinVar contains an entry for this variant (Variation ID: 1407328). Invitae Evidence Modeling of protein sequence and biophysical properties (such as structural, functional, and spatial information, amino acid conservation, physicochemical variation, residue mobility, and thermodynamic stability) indicates that this missense variant is not expected to disrupt HNF1A protein function with a negative predictive value of 80%. In summary, the available evidence is currently insufficient to determine the role of this variant in disease. Therefore, it has been classified as a Variant of Uncertain Significance.